The following is an entry in ClinVar:

ClinVar aggregate classification (germline): Uncertain significance (1 of 4 stars; one submission).

Conditions:
Developmental and epileptic encephalopathy, 12 (DEE12). Identifiers: MedGen C3150988, MONDO:0013389, OMIM 613722.

Allele frequency attached by ClinVar (database versions not stated): gnomAD exomes below 0.00001; TOPMed below 0.00001.
gnomAD v4.1: 5 of 1,614,054 alleles (0.00031%); highest among the groups gnomAD compares: Admixed American, 0.0017%; no homozygotes.

Submission:

Labcorp Genetics (formerly Invitae), Labcorp
Classification: Uncertain significance for Developmental and epileptic encephalopathy, 12. Last evaluated: 2017-09-08. Review status: criteria provided, single submitter. Criteria: Invitae Variant Classification Sherloc (09022015). Collection method: clinical testing. Allele origin: germline.
Comment: This sequence change replaces proline with serine at codon 109 of the PLCB1 protein (p.Pro109Ser). The proline residue is moderately conserved and there is a moderate physicochemical difference between proline and serine. This variant is not present in population databases (ExAC no frequency). This variant has not been reported in the literature in individuals with PLCB1-related disease. Algorithms developed to predict the effect of missense changes on protein structure and function (SIFT, PolyPhen-2, Align-GVGD) all suggest that this variant is likely to be tolerated, but these predictions have not been confirmed by published functional studies and their clinical significance is uncertain. In summary, the available evidence is currently insufficient to determine the role of this variant in disease. Therefore, it has been classified as a Variant of Uncertain Significance.

NM_015192.4(PLCB1):c.325C>T (p.Pro109Ser)

Gene: PLCB1 (phospholipase C beta 1; plus strand). Cytogenetic location: 20p12.3.
Variant type: single nucleotide variant.
Coding change: c.325C>T on transcript NM_015192.4 (MANE Select); coding-DNA position 325, C replaced by T.
Protein change: p.Pro109Ser; replaces proline 109 with serine.
Molecular consequence: missense variant.
Genome position (GRCh38, 1-based): chr20:8,628,372, C>T. VCF-style: chr20-8628372-C-T. GRCh37 (hg19) VCF-style: chr20-8609019-C-T.
Other names: c.325C>T, p.Pro109Ser (NM_182734.3); short protein forms P109S.
Identifiers: ClinVar variation 487236 (VCV000487236.1), dbSNP rs748150163, ClinGen allele CA311672843.
Genomic context (GRCh38, chr20:8,628,372, plus strand): 5'-CTTTTGGATGTGGGGAACATCGGGCGCCTGGAGCAGCGCATGATCACAGTGGTGTATGGG[C>T]CTGACCTCGTGAACATCTCCCATTTGAATCTCGTGGCTTTCCAAGAAGAAGTGGCCAAGG-3'
Protein context (NP_056007.1, residues 99-119): EQRMITVVYG[Pro109Ser]DLVNISHLNL